The following is an entry in ClinVar:

ClinVar aggregate classification (germline): Uncertain significance (1 of 4 stars; one submission).

Conditions:
HNSHA due to aldolase A deficiency (GSD12). Also called: GLYCOGEN STORAGE DISEASE XII; GSD XII; RED CELL ALDOLASE DEFICIENCY; Glycogen storage disease due to aldolase A deficiency. Identifiers: Orphanet 57, MedGen C0272066, MONDO:0012747, OMIM 611881.

Allele frequency attached by ClinVar (database versions not stated): TOPMed below 0.00001.

Submission:

Labcorp Genetics (formerly Invitae), Labcorp
Classification: Uncertain significance for HNSHA due to aldolase A deficiency. Last evaluated: 2023-06-09. Review status: criteria provided, single submitter. Criteria: Invitae Variant Classification Sherloc (09022015). Collection method: clinical testing. Allele origin: germline.
Comment: An algorithm developed to predict the effect of missense changes on protein structure and function (PolyPhen-2) suggests that this variant is likely to be disruptive. ClinVar contains an entry for this variant (Variation ID: 1996033). This variant has not been reported in the literature in individuals affected with ALDOA-related conditions. This variant is not present in population databases (gnomAD no frequency). This sequence change replaces serine, which is neutral and polar, with phenylalanine, which is neutral and non-polar, at codon 46 of the ALDOA protein (p.Ser46Phe). In summary, the available evidence is currently insufficient to determine the role of this variant in disease. Therefore, it has been classified as a Variant of Uncertain Significance.

NM_001243177.4(ALDOA):c.299C>T (p.Ser100Phe)

Genes: ALDOA (aldolase, fructose-bisphosphate A; plus strand), LOC112694756 (uncharaterized LOC112694756; plus strand). Cytogenetic location: 16p11.2.
Variant type: single nucleotide variant.
Coding change: c.299C>T on transcript NM_001243177.4 (MANE Select); coding-DNA position 299, C replaced by T.
Protein change: p.Ser100Phe; replaces serine 100 with phenylalanine.
Molecular consequence: missense variant. On other transcripts: 3 prime UTR variant (3).
Genome position (GRCh38, 1-based): chr16:30,067,474, C>T. VCF-style: chr16-30067474-C-T. GRCh37 (hg19) VCF-style: chr16-30078795-C-T.
Other names: c.*646C>T (NM_001365304.2, NM_001365305.2, NM_001365307.2); c.137C>T, p.Ser46Phe (NM_001127617.2, NM_184041.5, NM_184043.2); short protein forms S100F, S46F.
Identifiers: ClinVar variation 1996033 (VCV001996033.4), dbSNP rs1479838470, ClinGen allele CA395485675.
Genomic context (GRCh38, chr16:30,067,474, plus strand): 5'-CAGGCTGATCCCCTAATTCCCATGTGACACTCCCAGGGAGCATTGCCAAGCGGCTGCAGT[C>T]CATTGGCACCGAGAACACCGAGGAGAACCGGCGCTTCTACCGCCAGCTGCTGCTGACAGC-3'
Protein context (NP_001230106.1, residues 90-110): STGSIAKRLQ[Ser100Phe]IGTENTEENR